The following is an entry in ClinVar:

ClinVar aggregate classification (germline): Pathogenic (1 of 4 stars; one submission).

Conditions:
Neurofibromatosis, type 1 (NF1). Also called: VON RECKLINGHAUSEN DISEASE; NEUROFIBROMATOSIS, TYPE I, SOMATIC; Peripheral type neurofibromatosis; Neurofibromatosis, type I. Identifiers: Orphanet 636, MedGen C0027831, MONDO:0018975, OMIM 162200. Disease mechanism: loss of function.

Submission:

Labcorp Genetics (formerly Invitae), Labcorp
Classification: Pathogenic for Neurofibromatosis, type 1. Last evaluated: 2024-10-21. Review status: criteria provided, single submitter. Criteria: Invitae Variant Classification Sherloc (09022015). Collection method: clinical testing. Allele origin: germline.
Comment: This sequence change creates a premature translational stop signal (p.Lys936Argfs*17) in the NF1 gene. It is expected to result in an absent or disrupted protein product. Loss-of-function variants in NF1 are known to be pathogenic (PMID: 10712197, 23913538). This variant is not present in population databases (gnomAD no frequency). This variant has not been reported in the literature in individuals affected with NF1-related conditions. For these reasons, this variant has been classified as Pathogenic.

Literature cited by the submitters: PubMed 10712197; PubMed 23913538.

NM_001042492.3(NF1):c.2807_2810del (p.Lys936fs)

Gene: NF1 (neurofibromin 1; plus strand). Cytogenetic location: 17q11.2.
Variant type: Deletion.
Coding change: c.2807_2810del on transcript NM_001042492.3 (MANE Select); coding-DNA positions 2807 to 2810, 4 bases deleted (AATT; older notation c.2807_2810delAATT).
Protein change: p.Lys936fs; shifts the reading frame from lysine 936.
Molecular consequence: frameshift variant.
Genome position (GRCh38, 1-based): chr17:31,229,422-31,229,425, AATT deleted. VCF-style (leftmost placement, unchanged base first): chr17-31229421-AAATT-A. GRCh37 (hg19) VCF-style: chr17-29556439-AAATT-A.
Other names: c.2807_2810delAATT, p.Lys936Argfs (NM_000267.4); short protein forms K936fs.
Identifiers: ClinVar variation 3723462 (VCV003723462.2).